The following is an entry in ClinVar:

ClinVar aggregate classification (germline): Conflicting classifications of pathogenicity. Review status: criteria provided, conflicting classifications (1 of 4 stars). 2 submissions from 2 submitters: Likely pathogenic (1); Uncertain significance (1). Last evaluated 2020-10-23.

Conditions:
Monocytopenia with susceptibility to infections. Also called: MONOCYTOPENIA AND MYCOBACTERIAL INFECTION SYNDROME; MONOCYTOPENIA WITH SUSCEPTIBILITY TO MYCOBACTERIAL, FUNGAL, AND PAPILLOMAVIRUS INFECTIONS AND MYELODYSPLASIA; COMBINED IMMUNODEFICIENCY WITH SUSCEPTIBILITY TO MYCOBACTERIAL, VIRAL, AND FUNGAL INFECTIONS; IMMUNODEFICIENCY 21; GATA2 DEFICIENCY; Dendritic cell, monocyte, B lymphocyte, and natural killer lymphocyte deficiency. Identifiers: Orphanet 228423, MedGen C3280030, MONDO:0013607, OMIM 614172.
Deafness-lymphedema-leukemia syndrome. Also called: Emberger syndrome; Lymphedema, primary, with myelodysplasia. Identifiers: Orphanet 3226, MedGen C3279664, MONDO:0013540, OMIM 614038.

Submissions (2):

GeneDx
Classification: Likely pathogenic. Last evaluated: 2020-10-23. Review status: criteria provided, single submitter. Criteria: GeneDx Variant Classification Process June 2021. Collection method: clinical testing. Allele origin: germline. Affected: yes.
Comment: Not observed in large population cohorts (Lek 2016); In-frame insertion of 1 amino acid in a non-repeat region; This variant is associated with the following publications: (PMID: 32554555, 23560626)

Labcorp Genetics (formerly Invitae), Labcorp
Classification: Uncertain significance for Monocytopenia with susceptibility to infections; Deafness-lymphedema-leukemia syndrome. Last evaluated: 2019-12-12. Review status: criteria provided, single submitter. Criteria: Invitae Variant Classification Sherloc (09022015). Collection method: clinical testing. Allele origin: germline.
Comment: Experimental studies and prediction algorithms are not available or were not evaluated, and the functional significance of this variant is currently unknown. This variant has not been reported in the literature in individuals with GATA2-related conditions. This variant is not present in population databases (ExAC no frequency). This variant, c.1083_1085dup, results in the insertion of 1 amino acid(s) to the GATA2 protein (p.Arg362dup), but otherwise preserves the integrity of the reading frame. In summary, the available evidence is currently insufficient to determine the role of this variant in disease. Therefore, it has been classified as a Variant of Uncertain Significance.

NM_032638.5(GATA2):c.1083_1085dup (p.Arg362dup)

Gene: GATA2 (GATA binding protein 2; minus strand). Cytogenetic location: 3q21.3.
Variant type: Duplication.
Coding change: c.1083_1085dup on transcript NM_032638.5 (MANE Select); coding-DNA positions 1083 to 1085, 3 bases duplicated (CCG; older notation c.1083_1085dupCCG).
Protein change: p.Arg362dup; duplicates arginine 362.
Molecular consequence: inframe insertion.
Genome position (GRCh38, 1-based): chr3:128,481,877-128,481,879, CGG duplicated on the plus strand (CCG on the coding strand, the reverse complement: GATA2 is on the minus strand); duplicating any 3 consecutive bases within chr3:128,481,877-128,481,881 gives the same sequence; the c. name uses the placement nearest the transcript's 3' end. VCF-style (leftmost placement, unchanged base first): chr3-128481876-T-TCGG. GRCh37 (hg19) VCF-style: chr3-128200719-T-TCGG.
Other names: c.1083_1085dup, p.Arg362dup (NM_001145661.2); c.1041_1043dup, p.Arg348dup (NM_001145662.1); c.1083_1085dupCCG (NM_032638.4).
Identifiers: ClinVar variation 863082 (VCV000863082.12), dbSNP rs2068634140, ClinGen allele CA916081436.